The following is an entry in ClinVar:

ClinVar aggregate classification (germline): Uncertain significance (1 of 4 stars; one submission).

Submission:

GeneDx
Classification: Uncertain significance. Last evaluated: 2026-03-11. Review status: criteria provided, single submitter. Criteria: GeneDx Variant Classification Process June 2021. Collection method: clinical testing. Allele origin: germline.
Comment: Not observed at significant frequency in large population cohorts (gnomAD); In silico analysis supports that this missense variant has a deleterious effect on protein structure/function; Has not been previously published as pathogenic or benign to our knowledge

NM_001378328.1(CELSR1):c.7619A>G (p.Tyr2540Cys)

Gene: CELSR1 (cadherin EGF LAG seven-pass G-type receptor 1; minus strand). Cytogenetic location: 22q13.31.
Variant type: single nucleotide variant.
Coding change: c.7619A>G on transcript NM_001378328.1 (MANE Select); coding-DNA position 7619, A replaced by G.
Protein change: p.Tyr2540Cys; replaces tyrosine 2540 with cysteine.
Molecular consequence: missense variant.
Genome position (GRCh38, 1-based): chr22:46,373,023, T>C on the plus strand (A>G on the coding strand, the complement: CELSR1 is on the minus strand). VCF-style: chr22-46373023-T-C. GRCh37 (hg19) VCF-style: chr22-46768920-T-C.
Other names: c.7619A>G, p.Tyr2540Cys (NM_014246.4); short protein forms Y2540C.
Identifiers: ClinVar variation 5009027 (VCV005009027.1).